The following is an entry in ClinVar:

ClinVar aggregate classification (germline): Uncertain significance. Review status: criteria provided, multiple submitters, no conflicts (2 of 4 stars). 2 submissions from 2 submitters: Uncertain significance (2). Last evaluated 2025-07-21.

Conditions:
Mosaic variegated aneuploidy syndrome 2 (MVA2). Identifiers: Orphanet 1052, MedGen C3279843, MONDO:0013582, OMIM 614114.

Submissions (2):

Labcorp Genetics (formerly Invitae), Labcorp
Classification: Uncertain significance for Mosaic variegated aneuploidy syndrome 2. Last evaluated: 2025-07-21. Review status: criteria provided, single submitter. Criteria: Invitae Variant Classification Sherloc (09022015). Collection method: clinical testing. Allele origin: germline.
Comment: This sequence change replaces glutamic acid, which is acidic and polar, with leucine, which is neutral and non-polar, at codon 359 of the CEP57 protein (p.Glu359Leu). This variant is present in population databases (no rsID available, gnomAD 0.0008%). This variant has not been reported in the literature in individuals affected with CEP57-related conditions. ClinVar contains an entry for this variant (Variation ID: 856443). An algorithm developed to predict the effect of missense changes on protein structure and function (PolyPhen-2) suggests that this variant is likely to be disruptive. In summary, the available evidence is currently insufficient to determine the role of this variant in disease. Therefore, it has been classified as a Variant of Uncertain Significance.

Fulgent Genetics
Classification: Uncertain significance for Mosaic variegated aneuploidy syndrome 2. Last evaluated: 2024-05-05. Review status: criteria provided, single submitter. Criteria: ACMG Guidelines, 2015. Collection method: clinical testing. Allele origin: germline.

NM_014679.5(CEP57):c.1075_1076delinsTT (p.Glu359Leu)

Gene: CEP57 (centrosomal protein 57; plus strand). Cytogenetic location: 11q21.
Variant type: Indel.
Coding change: c.1075_1076delinsTT on transcript NM_014679.5 (MANE Select); coding-DNA positions 1075 to 1076, GA replaced by TT.
Protein change: p.Glu359Leu; replaces glutamic acid 359 with leucine.
Molecular consequence: missense variant.
Genome position (GRCh38, 1-based): chr11:95,827,975-95,827,976, GA replaced by TT. VCF-style: chr11-95827975-GA-TT. GRCh37 (hg19) VCF-style: chr11-95561139-GA-TT.
Other names: c.1048_1049delinsTT, p.Glu350Leu (NM_001243776.2); c.997_998delinsTT, p.Glu333Leu (NM_001243777.2); c.994_995delinsTT, p.Glu332Leu (NM_001363604.2); short protein forms E350L, E359L, E332L, E333L.
Identifiers: ClinVar variation 856443 (VCV000856443.9), dbSNP rs1862823036, ClinGen allele CA916081281.